The following is an entry in ClinVar:

ClinVar aggregate classification (germline): Uncertain significance (1 of 4 stars; one submission).

Conditions:
Hereditary cancer-predisposing syndrome. Also called: Neoplastic Syndromes, Hereditary; Tumor predisposition; Hereditary Cancer Syndrome; Hereditary neoplastic syndrome. Identifiers: Orphanet 140162, MedGen C0027672, MeSH D009386, MONDO:0015356.

Submission:

Ambry Genetics
Classification: Uncertain significance for Hereditary cancer-predisposing syndrome. Last evaluated: 2021-07-30. Review status: criteria provided, single submitter. Criteria: Ambry Variant Classification Scheme 2023. Collection method: clinical testing. Allele origin: germline.
Comment: The c.639_644dupTAAGGC variant (also known as p.K214_A215dup), located in coding exon 4 of the CHEK2 gene, results from an in-frame duplication of TAAGGC at nucleotide positions 639 to 644. This results in the duplication of 2 extra residues (KA) between codons 214 and 215. This amino acid region is poorly conserved in available vertebrate species. In addition, this alteration is predicted to be deleterious by in silico analysis (Choi Y et al. PLoS ONE. 2012; 7(10):e46688). This variant is considered to be rare based on population cohorts in the Genome Aggregation Database (gnomAD). Since supporting evidence is limited at this time, the clinical significance of this alteration remains unclear.

NM_007194.4(CHEK2):c.639_644dup (p.Ala215_Leu216insLysAla)

Gene: CHEK2 (checkpoint kinase 2; minus strand). Cytogenetic location: 22q12.1.
Variant type: Duplication.
Coding change: c.639_644dup on transcript NM_007194.4 (MANE Select); coding-DNA positions 639 to 644, 6 bases duplicated (TAAGGC; older notation c.639_644dupTAAGGC).
Protein change: p.Ala215_Leu216insLysAla.
Molecular consequence: inframe insertion. On other transcripts: 5 prime UTR variant (2), intron variant (1).
Genome position (GRCh38, 1-based): chr22:28,719,434-28,719,439, GCCTTA duplicated on the plus strand (TAAGGC on the coding strand, the reverse complement: CHEK2 is on the minus strand); duplicating any 6 consecutive bases within chr22:28,719,434-28,719,440 gives the same sequence; the c. name uses the placement nearest the transcript's 3' end. VCF-style (leftmost placement, unchanged base first): chr22-28719433-T-TGCCTTA. GRCh37 (hg19) VCF-style: chr22-29115421-T-TGCCTTA.
Other names: c.768_773dup, p.Ala258_Leu259insLysAla (NM_001005735.3, NM_001438294.1); c.-25_-20dup (NM_001257387.3, NM_001437942.1); c.732_737dup, p.Ala246_Leu247insLysAla (NM_001438293.1, NM_001438295.1); c.639_644dup, p.Ala215_Leu216insLysAla (NM_145862.3); c.482+5447_482+5452dup (NM_001349956.3).
Identifiers: ClinVar variation 1753238 (VCV001753238.2), dbSNP rs2518009451, ClinGen allele CA2580099377.